The following is an entry in ClinVar:

NM_001127208.3(TET2):c.3239C>T (p.Ala1080Val)

Genes: TET2 (tet methylcytosine dioxygenase 2; plus strand), TET2-AS1 (TET2 antisense RNA 1; minus strand). Cytogenetic location: 4q24.
Variant type: single nucleotide variant.
Coding change: c.3239C>T on transcript NM_001127208.3 (MANE Select); coding-DNA position 3239, C replaced by T.
Protein change: p.Ala1080Val; replaces alanine 1080 with valine.
Molecular consequence: missense variant.
Genome position (GRCh38, 1-based): chr4:105,237,181, C>T. VCF-style: chr4-105237181-C-T. GRCh37 (hg19) VCF-style: chr4-106158338-C-T.
Other names: c.3239C>T, p.Ala1080Val (NM_017628.4); short protein forms A1080V.
Identifiers: ClinVar variation 3455405 (VCV003455405.2).

ClinVar aggregate classification (germline): Uncertain significance (1 of 4 stars; one submission).

gnomAD v4.1: 3 of 1,614,152 alleles (0.00019%); highest among the groups gnomAD compares: African/African-American, 0.004%; no homozygotes.

Submission:

Ambry Genetics
Classification: Uncertain significance. Last evaluated: 2025-07-09. Review status: criteria provided, single submitter. Criteria: Ambry Variant Classification Scheme 2023. Collection method: clinical testing. Allele origin: germline.
Comment: The p.A1080V variant (also known as c.3239C>T), located in coding exon 1 of the TET2 gene, results from a C to T substitution at nucleotide position 3239. The alanine at codon 1080 is replaced by valine, an amino acid with similar properties. This amino acid position is conserved. In addition, this alteration is predicted to be tolerated by in silico analysis. Based on the available evidence, the clinical significance of this variant remains unclear.